The following is an entry in ClinVar:

NM_001470.4(GABBR1):c.1789G>T (p.Val597Phe)

Gene: GABBR1 (gamma-aminobutyric acid type B receptor subunit 1; minus strand). Cytogenetic location: 6p22.1.
Variant type: single nucleotide variant.
Coding change: c.1789G>T on transcript NM_001470.4 (MANE Select); coding-DNA position 1789, G replaced by T.
Protein change: p.Val597Phe; replaces valine 597 with phenylalanine.
Molecular consequence: missense variant.
Genome position (GRCh38, 1-based): chr6:29,609,299, C>A on the plus strand (G>T on the coding strand, the complement: GABBR1 is on the minus strand). VCF-style: chr6-29609299-C-A. GRCh37 (hg19) VCF-style: chr6-29577076-C-A.
Other names: c.1258G>T, p.Val420Phe (NM_001319053.2); c.1438G>T, p.Val480Phe (NM_021903.3); c.1603G>T, p.Val535Phe (NM_021904.4); short protein forms V420F, V480F, V597F, V535F.
Identifiers: ClinVar variation 3572424 (VCV003572424.1).
Genomic context (GRCh38, chr6:29,609,299, plus strand): 5'-AGTTGTAGATGTTAAAGGACAGACAGACAACAGCTAGGACAATGCCCAGGCTGGAGAGAA[C>A]TGAGACGGAGATAAAGAGTTTCTGTGACAGGAAGCGGAATGTCTTGATGACCAGGGTCTG-3'
Protein context (NP_001461.1, residues 587-607): LSQKLFISVS[Val597Phe]LSSLGIVLAV

ClinVar aggregate classification (germline): Uncertain significance (1 of 4 stars; one submission).

Submission:

GeneDx
Classification: Uncertain significance. Last evaluated: 2024-07-11. Review status: criteria provided, single submitter. Criteria: GeneDx Variant Classification Process June 2021. Collection method: clinical testing. Allele origin: germline. Affected: yes.
Comment: Not observed at significant frequency in large population cohorts (gnomAD); In silico analysis indicates that this missense variant does not alter protein structure/function; In silico analysis suggests this variant may impact gene splicing. In the absence of RNA/functional studies, the actual effect of this sequence change is unknown.; Has not been previously published as pathogenic or benign to our knowledge